The following is an entry in ClinVar:

NM_006757.4(TNNT3):c.434A>C (p.Lys145Thr)

Gene: TNNT3 (troponin T3, fast skeletal type; plus strand). Cytogenetic location: 11p15.5.
Variant type: single nucleotide variant.
Coding change: c.434A>C on transcript NM_006757.4 (MANE Select); coding-DNA position 434, A replaced by C.
Protein change: p.Lys145Thr; replaces lysine 145 with threonine.
Molecular consequence: missense variant.
Genome position (GRCh38, 1-based): chr11:1,934,399, A>C. VCF-style: chr11-1934399-A-C. GRCh37 (hg19) VCF-style: chr11-1955629-A-C.
Other names: c.410A>C, p.Lys137Thr (NM_001042780.3, NM_001042782.3, NM_001297646.2 and 2 more transcripts); c.428A>C, p.Lys143Thr (NM_001042781.3, NM_001367842.1, NM_001367843.1); c.443A>C, p.Lys148Thr (NM_001363561.2, NM_001367847.1); c.467A>C, p.Lys156Thr (NM_001367846.1); c.431A>C, p.Lys144Thr (NM_001367848.1); c.422A>C, p.Lys141Thr (NM_001367849.1); c.377A>C, p.Lys126Thr (NM_001367850.1); c.230A>C, p.Lys77Thr (NM_001367851.1, NM_001367852.1); short protein forms K126T, K137T, K141T, K148T, K156T, K143T, K144T, K77T.
Identifiers: ClinVar variation 2001093 (VCV002001093.4), dbSNP rs2494824641, ClinGen allele CA379098238.

ClinVar aggregate classification (germline): Uncertain significance (1 of 4 stars; one submission).

Allele frequency attached by ClinVar (database versions not stated): gnomAD exomes below 0.00001.
gnomAD v4.1: 2 of 1,613,868 alleles (0.00012%); highest among the groups gnomAD compares: Non-Finnish European, 0.00017%; no homozygotes.

Submission:

Labcorp Genetics (formerly Invitae), Labcorp
Classification: Uncertain significance. Last evaluated: 2022-06-07. Review status: criteria provided, single submitter. Criteria: Invitae Variant Classification Sherloc (09022015). Collection method: clinical testing. Allele origin: germline.
Comment: In summary, the available evidence is currently insufficient to determine the role of this variant in disease. Therefore, it has been classified as a Variant of Uncertain Significance. Algorithms developed to predict the effect of missense changes on protein structure and function are either unavailable or do not agree on the potential impact of this missense change (SIFT: "Tolerated"; PolyPhen-2: "Probably Damaging"; Align-GVGD: "Class C0"). This variant has not been reported in the literature in individuals affected with TNNT3-related conditions. This variant is not present in population databases (gnomAD no frequency). This sequence change replaces lysine, which is basic and polar, with threonine, which is neutral and polar, at codon 145 of the TNNT3 protein (p.Lys145Thr).